The following is an entry in ClinVar:

ClinVar aggregate classification (germline): Uncertain significance. Review status: criteria provided, multiple submitters, no conflicts (2 of 4 stars). 2 submissions from 2 submitters: Uncertain significance (2). Last evaluated 2025-09-26.

Conditions:
Inborn genetic diseases. Identifiers: MedGen C0950123, MeSH D030342.

Allele frequency attached by ClinVar (database versions not stated): ExAC 0.00002; gnomAD 0.00003; gnomAD exomes 0.00002; TOPMed 0.00002.
gnomAD v4.1: 34 of 1,613,964 alleles (0.0021%); highest among the groups gnomAD compares: Admixed American, 0.005%; no homozygotes.

Submissions (2):

Ambry Genetics
Classification: Uncertain significance for Inborn genetic diseases. Last evaluated: 2025-09-26. Review status: criteria provided, single submitter. Criteria: Ambry Variant Classification Scheme 2023. Collection method: clinical testing. Allele origin: germline.

Labcorp Genetics (formerly Invitae), Labcorp
Classification: Uncertain significance. Last evaluated: 2023-07-17. Review status: criteria provided, single submitter. Criteria: Invitae Variant Classification Sherloc (09022015). Collection method: clinical testing. Allele origin: germline.
Comment: This sequence change replaces serine, which is neutral and polar, with leucine, which is neutral and non-polar, at codon 217 of the PISD protein (p.Ser217Leu). This variant is present in population databases (rs748151520, gnomAD 0.003%). This variant has not been reported in the literature in individuals affected with PISD-related conditions. ClinVar contains an entry for this variant (Variation ID: 2172727). Advanced modeling of protein sequence and biophysical properties (such as structural, functional, and spatial information, amino acid conservation, physicochemical variation, residue mobility, and thermodynamic stability) performed at Invitae indicates that this missense variant is not expected to disrupt PISD protein function. In summary, the available evidence is currently insufficient to determine the role of this variant in disease. Therefore, it has been classified as a Variant of Uncertain Significance.

NM_001326411.2(PISD):c.650C>T (p.Ser217Leu)

Gene: PISD (phosphatidylserine decarboxylase; minus strand). Cytogenetic location: 22q12.2.
Variant type: single nucleotide variant.
Coding change: c.650C>T on transcript NM_001326411.2 (MANE Select); coding-DNA position 650, C replaced by T.
Protein change: p.Ser217Leu; replaces serine 217 with leucine.
Molecular consequence: missense variant.
Genome position (GRCh38, 1-based): chr22:31,621,381, G>A on the plus strand (C>T on the coding strand, the complement: PISD is on the minus strand). VCF-style: chr22-31621381-G-A. GRCh37 (hg19) VCF-style: chr22-32017367-G-A.
Other names: c.587C>T, p.Ser196Leu (NM_001326412.1, NM_001326413.2, NM_001326414.2); c.548C>T, p.Ser183Leu (NM_001326415.2, NM_001326416.2, NM_001326417.2 and 3 more transcripts); c.470C>T, p.Ser157Leu (NM_001326418.2, NM_001326420.2); c.650C>T, p.Ser217Leu (NM_001326421.1); c.548C>T (NM_014338.3); short protein forms S183L, S157L, S217L, S196L.
Identifiers: ClinVar variation 2172727 (VCV002172727.3), dbSNP rs748151520, ClinGen allele CA10194715.
Genomic context (GRCh38, chr22:31,621,381, plus strand): 5'-TGCAGTGACCCACCTGGTGGGAAGGGCAGGTCCTCTGTGCACATACGCGGGCCCAGGAAC[G>A]ACTCCAGGGAGTAGGTGACCCCCTTTACCTGCTCCACCTCACAGTTCTTCACCTGCCCAA-3'
Protein context (NP_001313340.1, residues 207-227): QVKGVTYSLE[Ser217Leu]FLGPRMCTED